The following is an entry in ClinVar:

ClinVar aggregate classification (germline): Benign (0 of 4 stars; one submission).

Allele frequency attached by ClinVar (database versions not stated): gnomAD exomes below 0.00001.
gnomAD v4.1: 3 of 1,613,470 alleles (0.00019%); highest among the groups gnomAD compares: Non-Finnish European, 0.00025%; no homozygotes.

Submission:

King Laboratory, University of Washington
Classification: Benign. Last evaluated: 2019-09-01. Review status: no assertion criteria provided. Collection method: research. Allele origin: germline. Affected: yes.
Comment: Transcript analysis by cBROCA

Literature cited by the submitters: PubMed 31843900.

NM_024675.4(PALB2):c.46A>G (p.Lys16Glu)

Gene: PALB2 (partner and localizer of BRCA2; minus strand). Cytogenetic location: 16p12.2.
Variant type: single nucleotide variant.
Coding change: c.46A>G on transcript NM_024675.4 (MANE Select); coding-DNA position 46, A replaced by G.
Protein change: p.Lys16Glu; replaces lysine 16 with glutamic acid.
Molecular consequence: missense variant.
Genome position (GRCh38, 1-based): chr16:23,641,112, T>C on the plus strand (A>G on the coding strand, the complement: PALB2 is on the minus strand). VCF-style: chr16-23641112-T-C. GRCh37 (hg19) VCF-style: chr16-23652433-T-C.
Other names: short protein forms K16E.
Identifiers: ClinVar variation 873421 (VCV000873421.2), dbSNP rs1967230769, ClinGen allele CA395141009.
Genomic context (GRCh38, chr16:23,641,112, plus strand): 5'-AAAACCCTGGGAAAGCGGGGTCAGAGTCCTGCGTCCGCCCTTCCCGCACCCCCGGCACCT[T>C]TTCCTTCTCCTCACAGCTGAGGGGCTTCCCGGGAGGCTCGTCCATCGGGCAGGCGACAGA-3'
Protein context (NP_078951.2, residues 6-26): GKPLSCEEKE[Lys16Glu]LKEKLAFLKR